The following is an entry in ClinVar:

ClinVar aggregate classification (germline): Benign/Likely benign. Review status: criteria provided, multiple submitters, no conflicts (2 of 4 stars). 2 submissions from 2 submitters: Benign (1); Likely benign (1). Last evaluated 2025-12-10.

Conditions:
Atypical hemolytic-uremic syndrome with thrombomodulin anomaly. Also called: HEMOLYTIC UREMIC SYNDROME, ATYPICAL, SUSCEPTIBILITY TO, 6; AHUS, SUSCEPTIBILITY TO, 6. Identifiers: MedGen C2752036, MONDO:0013044, OMIM 612926. Disease mechanism: gain of function.

Allele frequency attached by ClinVar (database versions not stated): gnomAD 0.00001; gnomAD exomes 0.00002; TOPMed 0.00002; ExAC 0.00003.

Submissions (2):

Labcorp Genetics (formerly Invitae), Labcorp
Classification: Likely benign. Last evaluated: 2025-12-10. Review status: criteria provided, single submitter. Criteria: Invitae Variant Classification Sherloc (09022015). Collection method: clinical testing. Allele origin: germline.

Illumina Laboratory Services, Illumina
Classification: Benign for Atypical hemolytic-uremic syndrome with thrombomodulin anomaly. Last evaluated: 2018-01-12. Review status: criteria provided, single submitter. Criteria: ICSL Variant Classification Criteria 13 December 2019. Collection method: clinical testing. Allele origin: germline.
Comment: This variant was observed in the ICSL laboratory as part of a predisposition screen in an ostensibly healthy population. It had not been previously curated by ICSL or reported in the Human Gene Mutation Database (HGMD: prior to June 1st, 2018), and was therefore a candidate for classification through an automated scoring system. Utilizing variant allele frequency, disease prevalence and penetrance estimates, and inheritance mode, an automated score was calculated to assess if this variant is too frequent to cause the disease. Based on the score and internal cut-off values, a variant classified as benign is not then subjected to further curation. The score for this variant resulted in a classification of benign for this disease.

NM_000361.3(THBD):c.1029A>G (p.Thr343=)

Gene: THBD (thrombomodulin; minus strand). Cytogenetic location: 20p11.21.
Variant type: single nucleotide variant.
Coding change: c.1029A>G on transcript NM_000361.3 (MANE Select); coding-DNA position 1029, A replaced by G.
Protein change: p.Thr343=; no amino-acid change (threonine 343 retained).
Molecular consequence: synonymous variant.
Genome position (GRCh38, 1-based): chr20:23,048,476, T>C on the plus strand (A>G on the coding strand, the complement: THBD is on the minus strand). VCF-style: chr20-23048476-T-C. GRCh37 (hg19) VCF-style: chr20-23029113-T-C.
Identifiers: ClinVar variation 337887 (VCV000337887.13), dbSNP rs79349426, ClinGen allele CA9787639.